The following is an entry in ClinVar:

NM_000256.3(MYBPC3):c.2717T>C (p.Val906Ala)

Gene: MYBPC3 (myosin binding protein C3; minus strand). Cytogenetic location: 11p11.2.
Variant type: single nucleotide variant.
Coding change: c.2717T>C on transcript NM_000256.3 (MANE Select); coding-DNA position 2717, T replaced by C.
Protein change: p.Val906Ala; replaces valine 906 with alanine.
Molecular consequence: missense variant.
Genome position (GRCh38, 1-based): chr11:47,335,897, A>G on the plus strand (T>C on the coding strand, the complement: MYBPC3 is on the minus strand). VCF-style: chr11-47335897-A-G. GRCh37 (hg19) VCF-style: chr11-47357448-A-G.
Other names: short protein forms V906A.
Identifiers: ClinVar variation 924326 (VCV000924326.6), dbSNP rs2095881764, ClinGen allele CA380317098.

ClinVar aggregate classification (germline): Uncertain significance. Review status: criteria provided, multiple submitters, no conflicts (2 of 4 stars). 2 submissions from 2 submitters: Uncertain significance (2). Last evaluated 2024-03-06.

Conditions:
Cardiomyopathy (CMYO). Also called: Cardiomyopathies. Identifiers: Orphanet 167848, MedGen C0878544, MONDO:0004994, HP:0001638. Inheritance: Various modes of inheritance.
Hypertrophic cardiomyopathy. Also called: HYPERTROPHIC MYOCARDIOPATHY. Identifiers: Orphanet 217569, MedGen C0007194, MeSH D002312, MONDO:0005045, HP:0001639.

Submissions (2):

Color Diagnostics, LLC DBA Color Health
Classification: Uncertain significance for Cardiomyopathy. Last evaluated: 2024-03-06. Review status: criteria provided, single submitter. Criteria: ACMG Guidelines, 2015. Collection method: clinical testing. Allele origin: germline.
Comment: This missense variant replaces valine with alanine at codon 906 of the MYBPC3 protein. Computational prediction is inconclusive regarding the impact of this variant on protein structure and function (internally defined REVEL score threshold 0.5 < inconclusive < 0.7, PMID: 27666373). To our knowledge, functional studies have not been reported for this variant. This variant has not been reported in individuals affected with MYBPC3-related disorders in the literature. This variant has not been identified in the general population by the Genome Aggregation Database (gnomAD). The available evidence is insufficient to determine the role of this variant in disease conclusively. Therefore, this variant is classified as a Variant of Uncertain Significance.

All of Us Research Program, National Institutes of Health
Classification: Uncertain significance for Hypertrophic cardiomyopathy. Last evaluated: 2023-02-24. Review status: criteria provided, single submitter. Criteria: ACMG Guidelines, 2015. Collection method: clinical testing. Allele origin: germline. Inheritance: Autosomal dominant inheritance. Observed: 1 variant allele, 1 heterozygote.
Comment: This missense variant replaces valine with alanine at codon 906 of the MYBPC3 protein. Computational prediction tools and conservation analyses are inconclusive regarding the impact of this variant on the protein function. Computational splicing tools suggest that this variant may not impact RNA splicing. To our knowledge, functional assays have not been performed for this variant nor has this variant been reported in individuals affected with cardiovascular disorders in the literature. This variant has not been identified in the general population by the Genome Aggregation Database (gnomAD). Available evidence is insufficient to determine the role of this variant in disease conclusively. Therefore, this variant is classified as a Variant of Uncertain Significance.

This study involves interpretation of variants in research participants for the purpose of population health screening. Participant phenotype was not available at the time of variant classification. Additional details can be found in publication PMID: 35346344, PMCID: PMC8962531